The following is an entry in ClinVar:

NM_001365951.3(KIF1B):c.2054T>A (p.Met685Lys)

Gene: KIF1B (kinesin family member 1B; plus strand). Cytogenetic location: 1p36.22.
Variant type: single nucleotide variant.
Coding change: c.2054T>A on transcript NM_001365951.3 (MANE Select); coding-DNA position 2054, T replaced by A.
Protein change: p.Met685Lys; replaces methionine 685 with lysine.
Molecular consequence: missense variant.
Genome position (GRCh38, 1-based): chr1:10,297,185, T>A. VCF-style: chr1-10297185-T-A. GRCh37 (hg19) VCF-style: chr1-10357243-T-A.
Other names: c.2054T>A, p.Met685Lys (NM_001365952.1); c.1916T>A, p.Met639Lys (NM_001365953.1, NM_015074.3, NM_183416.4); short protein forms M639K, M685K.
Identifiers: ClinVar variation 4858810 (VCV004858810.1).

ClinVar aggregate classification (germline): Uncertain significance (1 of 4 stars; one submission).

Submission:

Ambry Genetics
Classification: Uncertain significance. Last evaluated: 2026-04-11. Review status: criteria provided, single submitter. Criteria: Ambry Variant Classification Scheme 2023. Collection method: clinical testing. Allele origin: germline.
Comment: The p.M639K variant (also known as c.1916T>A), located in coding exon 19 of the KIF1B gene, results from a T to A substitution at nucleotide position 1916. The methionine at codon 639 is replaced by lysine, an amino acid with similar properties. This amino acid position is conserved. In addition, this alteration is predicted to be deleterious by in silico analysis. Based on the available evidence, the clinical significance of this variant remains unclear.